The following is an entry in ClinVar:

ClinVar aggregate classification (germline): Uncertain significance (1 of 4 stars; one submission).

gnomAD v4.1: 6 of 1,614,074 alleles (0.00037%); highest among the groups gnomAD compares: Non-Finnish European, 0.00051%; no homozygotes.

Submission:

Mayo Clinic Laboratories, Mayo Clinic
Classification: Uncertain significance. Last evaluated: 2023-11-14. Review status: criteria provided, single submitter. Criteria: ACMG Guidelines, 2015. Collection method: clinical testing. Allele origin: germline. Observed: 1 variant allele.
Comment: PM2_moderate

Literature cited by the submitters: PubMed 30099245.

NM_004562.3(PRKN):c.469G>A (p.Val157Met)

Genes: PRKN (parkin RBR E3 ubiquitin protein ligase; minus strand), LOC126859871 (MED14-independent group 3 enhancer GRCh37_chr6:162621359-162622558; plus strand). Cytogenetic location: 6q26.
Variant type: single nucleotide variant.
Coding change: c.469G>A on transcript NM_004562.3 (MANE Select); coding-DNA position 469, G replaced by A.
Protein change: p.Val157Met; replaces valine 157 with methionine.
Molecular consequence: missense variant. On other transcripts: intron variant (1).
Genome position (GRCh38, 1-based): chr6:162,201,196, C>T on the plus strand (G>A on the coding strand, the complement: PRKN is on the minus strand). VCF-style: chr6-162201196-C-T. GRCh37 (hg19) VCF-style: chr6-162622228-C-T.
Other names: p.Val157Met; c.469G>A, p.Val157Met (NM_013987.3); c.172-227779G>A (NM_013988.3); short protein forms V157M.
Identifiers: ClinVar variation 3379730 (VCV003379730.1).